The following is an entry in ClinVar:

NM_001377295.2(GNAT2):c.875G>A (p.Gly292Asp)

Gene: GNAT2 (G protein subunit alpha transducin 2; minus strand). Cytogenetic location: 1p13.3.
Variant type: single nucleotide variant.
Coding change: c.875G>A on transcript NM_001377295.2 (MANE Select); coding-DNA position 875, G replaced by A.
Protein change: p.Gly292Asp; replaces glycine 292 with aspartic acid.
Molecular consequence: missense variant.
Genome position (GRCh38, 1-based): chr1:109,603,544, C>T on the plus strand (G>A on the coding strand, the complement: GNAT2 is on the minus strand). VCF-style: chr1-109603544-C-T. GRCh37 (hg19) VCF-style: chr1-110146166-C-T.
Other names: c.875G>A, p.Gly292Asp (NM_001379232.1, NM_005272.5); short protein forms G292D.
Identifiers: ClinVar variation 2097481 (VCV002097481.5), dbSNP rs200224608, ClinGen allele CA28675291.

ClinVar aggregate classification (germline): Uncertain significance. Review status: criteria provided, multiple submitters, no conflicts (2 of 4 stars). 2 submissions from 2 submitters: Uncertain significance (2). Last evaluated 2024-01-22.

Allele frequency attached by ClinVar (database versions not stated): gnomAD exomes below 0.00001.
gnomAD v4.1: 1 of 1,600,588 alleles (0.000062%); highest among the groups gnomAD compares: Admixed American, 0.0017%; no homozygotes.

Submissions (2):

Labcorp Genetics (formerly Invitae), Labcorp
Classification: Uncertain significance. Last evaluated: 2024-01-22. Review status: criteria provided, single submitter. Criteria: Invitae Variant Classification Sherloc (09022015). Collection method: clinical testing. Allele origin: germline.
Comment: This sequence change replaces glycine, which is neutral and non-polar, with aspartic acid, which is acidic and polar, at codon 292 of the GNAT2 protein (p.Gly292Asp). This variant is not present in population databases (gnomAD no frequency). This variant has not been reported in the literature in individuals affected with GNAT2-related conditions. ClinVar contains an entry for this variant (Variation ID: 2097481). An algorithm developed to predict the effect of missense changes on protein structure and function (PolyPhen-2) suggests that this variant is likely to be disruptive. In summary, the available evidence is currently insufficient to determine the role of this variant in disease. Therefore, it has been classified as a Variant of Uncertain Significance.

Blueprint Genetics
Classification: Uncertain significance. Last evaluated: 2022-12-21. Review status: criteria provided, single submitter. Criteria: ACMG Guidelines, 2015. Collection method: clinical testing. Allele origin: germline.